The following is an entry in ClinVar:

ClinVar aggregate classification (germline): Uncertain significance (1 of 4 stars; one submission).

gnomAD v4.1: 2 of 1,613,792 alleles (0.00012%); highest among the groups gnomAD compares: African/African-American, 0.0027%; no homozygotes.

Submission:

Athena Diagnostics
Classification: Uncertain significance. Last evaluated: 2025-02-13. Review status: criteria provided, single submitter. Criteria: Athena Diagnostics Criteria. Collection method: clinical testing. Allele origin: unknown.
Comment: Available data are insufficient to determine the clinical significance of the variant at this time. The frequency of this variant in the general population is uninformative in assessment of its pathogenicity. MutationTaster could not make a prediction for this variant. Polyphen predicts this amino acid change may be damaging to the protein.

NM_000435.3(NOTCH3):c.788C>T (p.Pro263Leu)

Gene: NOTCH3 (notch receptor 3; minus strand). Cytogenetic location: 19p13.12.
Variant type: single nucleotide variant.
Coding change: c.788C>T on transcript NM_000435.3 (MANE Select); coding-DNA position 788, C replaced by T.
Protein change: p.Pro263Leu; replaces proline 263 with leucine.
Molecular consequence: missense variant.
Genome position (GRCh38, 1-based): chr19:15,191,759, G>A on the plus strand (C>T on the coding strand, the complement: NOTCH3 is on the minus strand). VCF-style: chr19-15191759-G-A. GRCh37 (hg19) VCF-style: chr19-15302570-G-A.
Other names: short protein forms P263L.
Identifiers: ClinVar variation 4682229 (VCV004682229.1).